The following is an entry in ClinVar:

ClinVar aggregate classification (germline): Uncertain significance (1 of 4 stars; one submission).

Allele frequency attached by ClinVar (database versions not stated): TOPMed 0.00001; gnomAD 0.00002.
gnomAD v4.1: 13 of 1,592,512 alleles (0.00082%); highest among the groups gnomAD compares: African/African-American, 0.0013%; no homozygotes.

Submission:

Labcorp Genetics (formerly Invitae), Labcorp
Classification: Uncertain significance. Last evaluated: 2023-05-08. Review status: criteria provided, single submitter. Criteria: Invitae Variant Classification Sherloc (09022015). Collection method: clinical testing. Allele origin: germline.
Comment: This sequence change replaces isoleucine, which is neutral and non-polar, with valine, which is neutral and non-polar, at codon 87 of the KLF10 protein (p.Ile87Val). This variant is present in population databases (no rsID available, gnomAD 0.003%). This variant has not been reported in the literature in individuals affected with KLF10-related conditions. ClinVar contains an entry for this variant (Variation ID: 2163647). Algorithms developed to predict the effect of missense changes on protein structure and function output the following: SIFT: "Not Available"; PolyPhen-2: "Benign"; Align-GVGD: "Not Available". The valine amino acid residue is found in multiple mammalian species, which suggests that this missense change does not adversely affect protein function. In summary, the available evidence is currently insufficient to determine the role of this variant in disease. Therefore, it has been classified as a Variant of Uncertain Significance.

NM_005655.4(KLF10):c.259A>G (p.Ile87Val)

Gene: KLF10 (KLF transcription factor 10; minus strand). Cytogenetic location: 8q22.3.
Variant type: single nucleotide variant.
Coding change: c.259A>G on transcript NM_005655.4 (MANE Select); coding-DNA position 259, A replaced by G.
Protein change: p.Ile87Val; replaces isoleucine 87 with valine.
Molecular consequence: missense variant. On other transcripts: non-coding transcript variant (2).
Genome position (GRCh38, 1-based): chr8:102,652,175, T>C on the plus strand (A>G on the coding strand, the complement: KLF10 is on the minus strand). VCF-style: chr8-102652175-T-C. GRCh37 (hg19) VCF-style: chr8-103664403-T-C.
Other names: c.226A>G, p.Ile76Val (NM_001032282.4); short protein forms I87V, I76V.
Identifiers: ClinVar variation 2163647 (VCV002163647.4), dbSNP rs1178794544, ClinGen allele CA371629722.